The following is an entry in ClinVar:

NM_001042492.3(NF1):c.1522del (p.Leu508fs)

Gene: NF1 (neurofibromin 1; plus strand). Cytogenetic location: 17q11.2.
Variant type: Deletion.
Coding change: c.1522del on transcript NM_001042492.3 (MANE Select); coding-DNA position 1522, one base deleted (C; older notation c.1522delC).
Protein change: p.Leu508fs; shifts the reading frame from leucine 508.
Molecular consequence: frameshift variant.
Genome position (GRCh38, 1-based): chr17:31,214,580, C deleted. VCF-style (leftmost placement, unchanged base first): chr17-31214579-GC-G. GRCh37 (hg19) VCF-style: chr17-29541597-GC-G.
Other names: c.1522delC (NM_000267.3); c.1522del, p.Leu508fs (NM_001128147.3); c.1522delC, p.Leu508Phefs (NM_000267.4); short protein forms L508fs.
Identifiers: ClinVar variation 855655 (VCV000855655.8), dbSNP rs1952238027, ClinGen allele CA916080568.

ClinVar aggregate classification (germline): Pathogenic/Likely pathogenic. Review status: criteria provided, multiple submitters, no conflicts (2 of 4 stars). 3 submissions from 3 submitters: Pathogenic (2); Likely pathogenic (1). Last evaluated 2024-10-25.

Conditions:
Neurofibromatosis, type 1 (NF1). Also called: Neurofibromatosis, type I; VON RECKLINGHAUSEN DISEASE; Peripheral type neurofibromatosis; NEUROFIBROMATOSIS, TYPE I, SOMATIC. Identifiers: Orphanet 636, MedGen C0027831, MONDO:0018975, OMIM 162200. Disease mechanism: loss of function.
Hereditary cancer-predisposing syndrome. Also called: Hereditary neoplastic syndrome; Tumor predisposition; Neoplastic Syndromes, Hereditary; Hereditary Cancer Syndrome. Identifiers: Orphanet 140162, MedGen C0027672, MeSH D009386, MONDO:0015356.
Cardiovascular phenotype. Identifiers: MedGen CN230736.

Submissions (3):

Ambry Genetics
Classification: Pathogenic for Cardiovascular phenotype; Hereditary cancer-predisposing syndrome. Last evaluated: 2024-10-25. Review status: criteria provided, single submitter. Criteria: Ambry Variant Classification Scheme 2023. Collection method: clinical testing. Allele origin: germline.
Comment: The c.1522delC pathogenic mutation, located in coding exon 13 of the NF1 gene, results from a deletion of one nucleotide at nucleotide position 1522, causing a translational frameshift with a predicted alternate stop codon (p.L508Ffs*18). This variant has been observed in at least one individual with a personal and/or family history that is consistent with neurofibromatosis type 1 (Ambry internal data). This variant is considered to be rare based on population cohorts in the Genome Aggregation Database (gnomAD). This alteration is expected to result in loss of function by premature protein truncation or nonsense-mediated mRNA decay. As such, this alteration is interpreted as a disease-causing mutation.

Quest Diagnostics Nichols Institute San Juan Capistrano
Classification: Likely pathogenic. Last evaluated: 2024-06-29. Review status: criteria provided, single submitter. Criteria: Quest Diagnostics criteria. Collection method: clinical testing. Allele origin: unknown.
Comment: The NF1 c.1522del (p.Leu508Phefs*18) variant alters the translational reading frame of the NF1 mRNA and is predicted to cause the premature termination of NF1 protein synthesis. This variant has not been reported in individuals with NF1-related conditions in the published literature. This variant has not been reported in large, multi-ethnic general populations (Genome Aggregation Database). Based on the available information, this variant is classified as likely pathogenic.

Labcorp Genetics (formerly Invitae), Labcorp
Classification: Pathogenic for Neurofibromatosis, type 1. Last evaluated: 2022-05-03. Review status: criteria provided, single submitter. Criteria: Invitae Variant Classification Sherloc (09022015). Collection method: clinical testing. Allele origin: germline.
Comment: For these reasons, this variant has been classified as Pathogenic. ClinVar contains an entry for this variant (Variation ID: 855655). This variant has not been reported in the literature in individuals affected with NF1-related conditions. This variant is not present in population databases (gnomAD no frequency). This sequence change creates a premature translational stop signal (p.Leu508Phefs*18) in the NF1 gene. It is expected to result in an absent or disrupted protein product. Loss-of-function variants in NF1 are known to be pathogenic (PMID: 10712197, 23913538).

Literature cited by the submitters: PubMed 10712197 (cited by Labcorp Genetics (formerly Invitae), Labcorp); PubMed 23913538 (cited by Labcorp Genetics (formerly Invitae), Labcorp).